The following is an entry in ClinVar:

ClinVar aggregate classification (germline): Uncertain significance (1 of 4 stars; one submission).

Submission:

GeneDx
Classification: Uncertain significance. Last evaluated: 2024-09-30. Review status: criteria provided, single submitter. Criteria: GeneDx Variant Classification Process June 2021. Collection method: clinical testing. Allele origin: germline. Affected: yes.
Comment: Not observed at significant frequency in large population cohorts (gnomAD); In silico analysis indicates that this missense variant does not alter protein structure/function; Has not been previously published as pathogenic or benign to our knowledge

NM_001371928.1(AHDC1):c.4180C>G (p.Leu1394Val)

Gene: AHDC1 (AT-hook DNA binding motif containing 1; minus strand). Cytogenetic location: 1p36.11.
Variant type: single nucleotide variant.
Coding change: c.4180C>G on transcript NM_001371928.1 (MANE Select); coding-DNA position 4180, C replaced by G.
Protein change: p.Leu1394Val; replaces leucine 1394 with valine.
Molecular consequence: missense variant.
Genome position (GRCh38, 1-based): chr1:27,547,936, G>C on the plus strand (C>G on the coding strand, the complement: AHDC1 is on the minus strand). VCF-style: chr1-27547936-G-C. GRCh37 (hg19) VCF-style: chr1-27874447-G-C.
Other names: c.4180C>G, p.Leu1394Val (NM_001029882.3); short protein forms L1394V.
Identifiers: ClinVar variation 3774884 (VCV003774884.1).
Genomic context (GRCh38, chr1:27,547,936, plus strand): 5'-GCCGCAGCTCTTCCTTGAAGCCCAGTGTAGGCGAGCAGGTGGGCGAGTATGCCTTCTGCA[G>C]GCCGGCGTCAAACACCGTGGGTGGGTGGGCCAGCGGTGGGAAATGCTTGCCATCAAGCTC-3'
Protein context (NP_001358857.1, residues 1384-1404): AHPPTVFDAG[Leu1394Val]QKAYSPTCSP